The following is an entry in ClinVar:

NM_198576.4(AGRN):c.4200C>G (p.Phe1400Leu)

Gene: AGRN (agrin; plus strand). Cytogenetic location: 1p36.33.
Variant type: single nucleotide variant.
Coding change: c.4200C>G on transcript NM_198576.4 (MANE Select); coding-DNA position 4200, C replaced by G.
Protein change: p.Phe1400Leu; replaces phenylalanine 1400 with leucine.
Molecular consequence: missense variant.
Genome position (GRCh38, 1-based): chr1:1,048,961, C>G. VCF-style: chr1-1048961-C-G. GRCh37 (hg19) VCF-style: chr1-984341-C-G.
Other names: c.4200C>G, p.Phe1400Leu (NM_001305275.2); c.3885C>G, p.Phe1295Leu (NM_001364727.2); short protein forms F1295L, F1400L.
Identifiers: ClinVar variation 664498 (VCV000664498.8), dbSNP rs1570237178, ClinGen allele CA337776854.

ClinVar aggregate classification (germline): Uncertain significance (1 of 4 stars; one submission).

Conditions:
Congenital myasthenic syndrome 8. Also called: MYASTHENIC SYNDROME, CONGENITAL, DUE TO AGRIN DEFICIENCY; Myasthenic syndrome, congenital, 8, with pre- and postsynaptic defects. Identifiers: Orphanet 590, MedGen C3808739, MONDO:0014052, OMIM 615120.

Allele frequency attached by ClinVar (database versions not stated): gnomAD exomes below 0.00001.
gnomAD v4.1: 3 of 1,571,870 alleles (0.00019%); highest among the groups gnomAD compares: Non-Finnish European, 0.00017%; no homozygotes.

Submission:

Labcorp Genetics (formerly Invitae), Labcorp
Classification: Uncertain significance for Congenital myasthenic syndrome 8. Last evaluated: 2022-06-20. Review status: criteria provided, single submitter. Criteria: Invitae Variant Classification Sherloc (09022015). Collection method: clinical testing. Allele origin: germline.
Comment: In summary, the available evidence is currently insufficient to determine the role of this variant in disease. Therefore, it has been classified as a Variant of Uncertain Significance. Algorithms developed to predict the effect of missense changes on protein structure and function are either unavailable or do not agree on the potential impact of this missense change (SIFT: "Deleterious"; PolyPhen-2: "Probably Damaging"; Align-GVGD: "Class C0"). ClinVar contains an entry for this variant (Variation ID: 664498). This variant has not been reported in the literature in individuals affected with AGRN-related conditions. This variant is not present in population databases (gnomAD no frequency). This sequence change replaces phenylalanine, which is neutral and non-polar, with leucine, which is neutral and non-polar, at codon 1400 of the AGRN protein (p.Phe1400Leu).